The following is an entry in ClinVar:

NM_020911.2(PLXNA4):c.1214G>A (p.Cys405Tyr)

Gene: PLXNA4 (plexin A4; minus strand). Cytogenetic location: 7q32.3.
Variant type: single nucleotide variant.
Coding change: c.1214G>A on transcript NM_020911.2 (MANE Select); coding-DNA position 1214, G replaced by A.
Protein change: p.Cys405Tyr; replaces cysteine 405 with tyrosine.
Molecular consequence: missense variant.
Genome position (GRCh38, 1-based): chr7:132,489,449, C>T on the plus strand (G>A on the coding strand, the complement: PLXNA4 is on the minus strand). VCF-style: chr7-132489449-C-T. GRCh37 (hg19) VCF-style: chr7-132174208-C-T.
Other names: c.1214G>A, p.Cys405Tyr (NM_001105543.2, NM_001393897.1, NM_181775.4); short protein forms C405Y.
Identifiers: ClinVar variation 4992292 (VCV004992292.1).

ClinVar aggregate classification (germline): Uncertain significance (1 of 4 stars; one submission).

Conditions:
PLXNA4-related disorder. Also called: PLXNA4-related condition.

Submission:

PreventionGenetics, part of Exact Sciences
Classification: Uncertain significance for PLXNA4-related condition. Last evaluated: 2026-09-09. Review status: criteria provided, single submitter. Criteria: ACMG Guidelines, 2015. Collection method: clinical testing. Allele origin: germline.
Comment: The PLXNA4 c.1214G>A variant is predicted to result in the amino acid substitution p.Cys405Tyr. To our knowledge, this variant has not been reported in the literature or in a large population database (gnomAD), indicating this variant is rare. At this time, the clinical significance of this variant is uncertain due to the absence of conclusive functional and genetic evidence.